The following is an entry in ClinVar:

NM_001142966.3(GREB1L):c.4698G>T (p.Met1566Ile)

Gene: GREB1L (GREB1 like retinoic acid receptor coactivator; plus strand). Cytogenetic location: 18q11.2.
Variant type: single nucleotide variant.
Coding change: c.4698G>T on transcript NM_001142966.3 (MANE Select); coding-DNA position 4698, G replaced by T.
Protein change: p.Met1566Ile; replaces methionine 1566 with isoleucine.
Molecular consequence: missense variant.
Genome position (GRCh38, 1-based): chr18:21,508,554, G>T. VCF-style: chr18-21508554-G-T. GRCh37 (hg19) VCF-style: chr18-19088515-G-T.
Other names: c.4827G>T, p.Met1609Ile (NM_001410867.1); c.4371G>T, p.Met1457Ile (NM_001410868.1); short protein forms M1457I, M1566I, M1609I.
Identifiers: ClinVar variation 2581602 (VCV002581602.1), dbSNP rs2511951627, ClinGen allele CA401759050.
Genomic context (GRCh38, chr18:21,508,554, plus strand): 5'-CCTGGTGGTCAAAGAGTATGAGATGCCTCTGTACCGCAAGTACTGGCCCAACCACATCAT[G>T]CTGGTGCTTCCCGGCATGTTCAATAATGCAGGCGTGGGTAAGGGGCCCCCCTGGGATGGG-3'
Protein context (NP_001136438.1, residues 1556-1576): LYRKYWPNHI[Met1566Ile]LVLPGMFNNA

ClinVar aggregate classification (germline): Uncertain significance (1 of 4 stars; one submission).

Submission:

Women's Health and Genetics/Laboratory Corporation of America, LabCorp
Classification: Uncertain significance. Last evaluated: 2023-08-09. Review status: criteria provided, single submitter. Criteria: LabCorp Variant Classification Summary - May 2015. Collection method: clinical testing. Allele origin: germline.
Comment: Variant summary: GREB1L c.4698G>T (p.Met1566Ile) results in a conservative amino acid change located in the GREB1, C-terminal domain (IPR046927) of the encoded protein sequence. Three of five in-silico tools predict a benign effect of the variant on protein function. The variant was absent in 157480 control chromosomes (gnomAD). The available data on variant occurrences in the general population are insufficient to allow any conclusion about variant significance. To our knowledge, no occurrence of c.4698G>T in individuals affected with Renal Hypodysplasia/aplasia 3 and no experimental evidence demonstrating its impact on protein function have been reported. No submitters have cited clinical-significance assessments for this variant to ClinVar after 2014. Based on the evidence outlined above, the variant was classified as uncertain significance.